The following is an entry in ClinVar:

ClinVar aggregate classification (germline): Uncertain significance (1 of 4 stars; one submission).

Allele frequency attached by ClinVar (database versions not stated): gnomAD 0.00001; TOPMed 0.00001; ExAC 0.00004.
gnomAD v4.1: 22 of 1,612,856 alleles (0.0014%); highest among the groups gnomAD compares: Non-Finnish European, 0.0016%; no homozygotes.

Submissions (3):

Labcorp Genetics (formerly Invitae), Labcorp
Classification: Uncertain significance. Last evaluated: 2025-12-01. Review status: criteria provided, single submitter. Criteria: Invitae Variant Classification Sherloc (09022015). Collection method: clinical testing. Allele origin: germline.
Comment: This sequence change replaces asparagine, which is neutral and polar, with serine, which is neutral and polar, at codon 144 of the PSMA3 protein (p.Asn144Ser). This variant is present in population databases (rs777885645, gnomAD 0.003%). This variant has not been reported in the literature in individuals affected with PSMA3-related conditions. ClinVar contains an entry for this variant (Variation ID: 2074616). An algorithm developed to predict the effect of missense changes on protein structure and function (PolyPhen-2) suggests that this variant is likely to be tolerated. In summary, the available evidence is currently insufficient to determine the role of this variant in disease. Therefore, it has been classified as a Variant of Uncertain Significance.

Dr. Peter K. Rogan Lab, Western University
No classification provided (evidence only). Condition: Sarcoma. Review status: no classification provided. Collection method: in vitro. Allele origin: not applicable. Functional consequence: retained intron. Not counted in ClinVar's aggregate classification.

Dr. Peter K. Rogan Lab, Western University
No classification provided (evidence only). Condition: Uterine carcinosarcoma. Review status: no classification provided. Collection method: in vitro. Allele origin: not applicable. Functional consequence: retained intron. Not counted in ClinVar's aggregate classification.

NM_002788.4(PSMA3):c.431A>G (p.Asn144Ser)

Gene: PSMA3 (proteasome 20S subunit alpha 3; plus strand). Cytogenetic location: 14q23.1.
Variant type: single nucleotide variant.
Coding change: c.431A>G on transcript NM_002788.4 (MANE Select); coding-DNA position 431, A replaced by G.
Protein change: p.Asn144Ser; replaces asparagine 144 with serine.
Molecular consequence: missense variant. On other transcripts: non-coding transcript variant (1).
Genome position (GRCh38, 1-based): chr14:58,260,974, A>G. VCF-style: chr14-58260974-A-G. GRCh37 (hg19) VCF-style: chr14-58727692-A-G.
Other names: c.410A>G, p.Asn137Ser (NM_152132.3); short protein forms N137S, N144S.
Identifiers: ClinVar variation 2074616 (VCV002074616.5), dbSNP rs777885645, ClinGen allele CA7203775.
Genomic context (GRCh38, chr14:58,260,974, plus strand): 5'-CCATGGTTTAAGCTGTTTGTATACTTTCATGCAGTTTCATGTTAGGGTCTTACAGTGTGA[A>G]TGACGGTGCGCAACTCTACATGATTGACCCATCAGGTGTTTCATACGTGAGTAATTTTGA-3'
Protein context (NP_002779.1, residues 134-154): CSFMLGSYSV[Asn144Ser]DGAQLYMIDP